The following is an entry in ClinVar:

ClinVar aggregate classification (germline): Conflicting classifications of pathogenicity. Review status: criteria provided, conflicting classifications (1 of 4 stars). 8 submissions from 4 submitters: Uncertain significance (3); Benign (2); Likely benign (3). Last evaluated 2025-08-24.

Conditions:
Tibial muscular dystrophy (TMD). Also called: UDD MYOPATHY; Tibial muscular dystrophy, tardive; Udd Distal Myopathy – Tibial Muscular Dystrophy. Identifiers: Orphanet 609, MedGen C1838244, MONDO:0010870, OMIM 600334.
Early-onset myopathy with fatal cardiomyopathy (CMYO5). Also called: CONGENITAL MYOPATHY 5 WITH CARDIOMYOPATHY; Salih Myopathy. Identifiers: Orphanet 289377, MedGen C2673677, MONDO:0012714, OMIM 611705. Disease mechanism: loss of function.
Dilated cardiomyopathy 1G (CMD1G). Identifiers: Orphanet 154, MedGen C1858763, MONDO:0011400, OMIM 604145.
Autosomal recessive limb-girdle muscular dystrophy type 2J (LGMDR10). Also called: MUSCULAR DYSTROPHY, LIMB-GIRDLE, AUTOSOMAL RECESSIVE 10; Limb-girdle muscular dystrophy, type 2J. Identifiers: Orphanet 140922, MedGen C1837342, MONDO:0012127, OMIM 608807.
Myopathy, myofibrillar, 9, with early respiratory failure (MFM9). Also called: Hereditary myopathy with early respiratory failure; EDSTROM MYOPATHY; MYOPATHY, PROXIMAL, WITH EARLY RESPIRATORY MUSCLE INVOLVEMENT; Myopathy, distal, with early respiratory failure, autosomal dominant. Identifiers: Orphanet 178464, Orphanet 34521, MedGen C1863599, MONDO:0011362, OMIM 603689.

Allele frequency attached by ClinVar (database versions not stated): gnomAD exomes 0.00004 and 0.00008; TOPMed 0.00004; gnomAD 0.00005; ESP Exome Variant Server 0.00008; ExAC 0.00011.
gnomAD v4.1: 69 of 1,613,506 alleles (0.0043%); highest among the groups gnomAD compares: Admixed American, 0.025%; 1 homozygote.

Submissions (8):

Labcorp Genetics (formerly Invitae), Labcorp
Classification: Likely benign for Dilated cardiomyopathy 1G; Autosomal recessive limb-girdle muscular dystrophy type 2J. Last evaluated: 2025-08-24. Review status: criteria provided, single submitter. Criteria: Invitae Variant Classification Sherloc (09022015). Collection method: clinical testing. Allele origin: germline.

Blueprint Genetics
Classification: Likely benign. Last evaluated: 2023-07-06. Review status: criteria provided, single submitter. Criteria: ACMG Guidelines, 2015. Collection method: clinical testing. Allele origin: germline.

GeneDx
Classification: Likely benign. Last evaluated: 2019-04-09. Review status: criteria provided, single submitter. Criteria: GeneDx Variant Classification Process June 2021. Collection method: clinical testing. Allele origin: germline. Affected: yes.

Illumina Laboratory Services, Illumina
Classification: Uncertain significance for Early-onset myopathy with fatal cardiomyopathy. Last evaluated: 2018-01-13. Review status: criteria provided, single submitter. Criteria: ICSL Variant Classification Criteria 13 December 2019. Collection method: clinical testing. Allele origin: germline.

Illumina Laboratory Services, Illumina
Classification: Benign for Myopathy, myofibrillar, 9, with early respiratory failure. Last evaluated: 2018-01-13. Review status: criteria provided, single submitter. Criteria: ICSL Variant Classification Criteria 13 December 2019. Collection method: clinical testing. Allele origin: germline.
Comment: This variant was observed in the ICSL laboratory as part of a predisposition screen in an ostensibly healthy population. It had not been previously curated by ICSL or reported in the Human Gene Mutation Database (HGMD: prior to June 1st, 2018), and was therefore a candidate for classification through an automated scoring system. Utilizing variant allele frequency, disease prevalence and penetrance estimates, and inheritance mode, an automated score was calculated to assess if this variant is too frequent to cause the disease. Based on the score and internal cut-off values, a variant classified as benign is not then subjected to further curation. The score for this variant resulted in a classification of benign for this disease.

Illumina Laboratory Services, Illumina
Classification: Uncertain significance for Dilated cardiomyopathy 1G. Last evaluated: 2018-01-13. Review status: criteria provided, single submitter. Criteria: ICSL Variant Classification Criteria 13 December 2019. Collection method: clinical testing. Allele origin: germline.

Illumina Laboratory Services, Illumina
Classification: Uncertain significance for Autosomal recessive limb-girdle muscular dystrophy type 2J. Last evaluated: 2018-01-13. Review status: criteria provided, single submitter. Criteria: ICSL Variant Classification Criteria 13 December 2019. Collection method: clinical testing. Allele origin: germline.

Illumina Laboratory Services, Illumina
Classification: Benign for Tibial muscular dystrophy. Last evaluated: 2018-01-13. Review status: criteria provided, single submitter. Criteria: ICSL Variant Classification Criteria 13 December 2019. Collection method: clinical testing. Allele origin: germline.
Comment: the same text as in the submission from Illumina Laboratory Services, Illumina above.

NM_001267550.2(TTN):c.18684T>C (p.Phe6228=)

Genes: TTN (titin; minus strand), LOC126806430 (BRD4-independent group 4 enhancer GRCh37_chr2:179593794-179594993; plus strand). Cytogenetic location: 2q31.2.
Variant type: single nucleotide variant.
Coding change: c.18684T>C on transcript NM_001267550.2 (MANE Select); coding-DNA position 18684, T replaced by C.
Protein change: p.Phe6228=; no amino-acid change (phenylalanine 6228 retained).
Molecular consequence: synonymous variant. On other transcripts: intron variant (3).
Genome position (GRCh38, 1-based): chr2:178,729,472, A>G on the plus strand (T>C on the coding strand, the complement: TTN is on the minus strand). VCF-style: chr2-178729472-A-G. GRCh37 (hg19) VCF-style: chr2-179594199-A-G.
Other names: c.17733T>C, p.Phe5911= (NM_001256850.1); c.14952T>C, p.Phe4984= (NM_133378.4); c.13282+8610T>C (NM_003319.4); c.13858+8610T>C (NM_133437.4); c.13657+8610T>C (NM_133432.3).
Identifiers: ClinVar variation 466860 (VCV000466860.18), dbSNP rs368427156, ClinGen allele CA2001559.